The following is an entry in ClinVar:

ClinVar aggregate classification (germline): Benign/Likely benign. Review status: criteria provided, multiple submitters, no conflicts (2 of 4 stars). 4 submissions from 4 submitters: Benign (1); Likely benign (3). Last evaluated 2025-09-26.

Conditions:
Atypical hemolytic-uremic syndrome with I factor anomaly. Also called: HEMOLYTIC UREMIC SYNDROME, ATYPICAL, SUSCEPTIBILITY TO, 3; AHUS, SUSCEPTIBILITY TO, 3. Identifiers: Orphanet 2134, MedGen C2752039, MONDO:0013041, OMIM 612923.
Age related macular degeneration 13. Identifiers: MedGen C3809523, MONDO:0014189, OMIM 615439.
Factor I deficiency (CFID). Also called: Complement factor I deficiency. Identifiers: Orphanet 200418, MedGen C3463916, MONDO:0012594, OMIM 610984.
CFI-related disorder. Also called: CFI-related disorders; CFI-related condition. Identifiers: MedGen CN239325.

Allele frequency attached by ClinVar (database versions not stated): gnomAD 0.00004 and 0.00017; TOPMed 0.00005; gnomAD exomes 0.00008; ExAC 0.00013; 1000 Genomes Project 30x 0.00078; 1000 Genomes Project 0.00100.
gnomAD v4.1: 618 of 1,614,168 alleles (0.038%); highest among the groups gnomAD compares: East Asian, 1.4%; 6 homozygotes.

Submissions (4):

Genomenon, Inc
Classification: Likely benign for CFI-related disorder. Last evaluated: 2025-09-26. Review status: criteria provided, single submitter. Criteria: Genomenon Sequence Variant Interpretation Standards - Updated. Collection method: curation. Allele origin: germline. Affected: yes.
Comment: CFI p.Arg201Ser (c.603A>C) is a missense variant that changes the amino acid at residue 201 from Arginine to Serine. This variant has been observed in at least one proband affected with a CFI-related disorder (PMID:39009967;36070894;25758434;23314101;23314101;25135378). Functional studies have been reported; however, the significance of the findings remain unclear (PMID:21768352). In silico models agree that this variant is not damaging. This variant’s allele frequency in gnomAD is greater than expected for this disorder. In conclusion, we classify CFI p.Arg201Ser (c.603A>C) as a likely benign variant.

Labcorp Genetics (formerly Invitae), Labcorp
Classification: Likely benign. Last evaluated: 2025-06-04. Review status: criteria provided, single submitter. Criteria: Invitae Variant Classification Sherloc (09022015). Collection method: clinical testing. Allele origin: germline.

Fulgent Genetics
Classification: Likely benign for Factor I deficiency; Atypical hemolytic-uremic syndrome with I factor anomaly; Age related macular degeneration 13. Last evaluated: 2024-05-31. Review status: criteria provided, single submitter. Criteria: ACMG Guidelines, 2015. Collection method: clinical testing. Allele origin: germline.

Illumina Laboratory Services, Illumina
Classification: Benign for Atypical hemolytic-uremic syndrome with I factor anomaly. Last evaluated: 2017-04-27. Review status: criteria provided, single submitter. Criteria: ICSL Variant Classification Criteria 13 December 2019. Collection method: clinical testing. Allele origin: germline.
Comment: This variant was observed as part of a predisposition screen in an ostensibly healthy population. A literature search was performed for the gene, cDNA change, and amino acid change (where applicable). Publications were found based on this search. The evidence from the literature, in combination with allele frequency data from public databases where available, was sufficient to rule this variant out of causing disease. Therefore, this variant is classified as benign.

Literature cited by the submitters: PubMed 39009967 (cited by Genomenon, Inc); 36070894 (cited by Genomenon, Inc); 25758434 (cited by Genomenon, Inc); 23314101 (cited by Genomenon, Inc); 25135378 (cited by Genomenon, Inc); 21768352 (cited by Genomenon, Inc); PubMed 25135378 (cited by Illumina Laboratory Services, Illumina); PubMed 23314101 (cited by Illumina Laboratory Services, Illumina); PubMed 25758434 (cited by Illumina Laboratory Services, Illumina); PubMed 18825487 (cited by Illumina Laboratory Services, Illumina).

NM_000204.5(CFI):c.603A>C (p.Arg201Ser)

Gene: CFI (complement factor I; minus strand). Cytogenetic location: 4q25.
Variant type: single nucleotide variant.
Coding change: c.603A>C on transcript NM_000204.5 (MANE Select); coding-DNA position 603, A replaced by C.
Protein change: p.Arg201Ser; replaces arginine 201 with serine.
Molecular consequence: missense variant. On other transcripts: 5 prime UTR variant (1), non-coding transcript variant (3).
Genome position (GRCh38, 1-based): chr4:109,761,572, T>G on the plus strand (A>C on the coding strand, the complement: CFI is on the minus strand). VCF-style: chr4-109761572-T-G. GRCh37 (hg19) VCF-style: chr4-110682728-T-G.
Other names: c.603A>C, p.Arg201Ser (NM_001318057.2, NM_001331035.2, NM_001375278.1 and 5 more transcripts); c.-7A>C (NM_001375284.1); short protein forms R201S.
Identifiers: ClinVar variation 902337 (VCV000902337.10), dbSNP rs145769028, ClinGen allele CA3042222.
Genomic context (GRCh38, chr4:109,761,572, plus strand): 5'-CCAACCTGCTTTCTGTGTATAACAAACCACATCAGCGAAATCCTGGTAACCCATAGTTCT[T>G]CTCTTAGTAAAAGTACATTCAGCCAAACTGGTCTCTAATCCTCGGCAATGCACATGTAGA-3'
Protein context (NP_000195.3, residues 191-211): TSLAECTFTK[Arg201Ser]RTMGYQDFAD